The following is an entry in ClinVar:

ClinVar aggregate classification (germline): Uncertain significance. Review status: criteria provided, multiple submitters, no conflicts (2 of 4 stars). 4 submissions from 4 submitters: Uncertain significance (4). Last evaluated 2025-11-03.

Conditions:
Autosomal dominant limb-girdle muscular dystrophy type 1D (DNAJB6) (LGMDD1). Also called: Autosomal dominant limb-girdle muscular dystrophy type 1D; MUSCULAR DYSTROPHY, LIMB-GIRDLE, TYPE 1D; Muscular dystrophy, limb-girdle, autosomal dominant 1; MUSCULAR DYSTROPHY, AUTOSOMAL DOMINANT, WITH RIMMED VACUOLES. Identifiers: Orphanet 34516, MedGen C4721885, MONDO:0021018, OMIM 603511.

Allele frequency attached by ClinVar (database versions not stated): gnomAD 0.00002; TOPMed 0.00002; gnomAD exomes 0.00003 and 0.00006.
gnomAD v4.1: 87 of 1,533,996 alleles (0.0057%); highest among the groups gnomAD compares: Non-Finnish European, 0.0075%; no homozygotes.

Submissions (4):

Labcorp Genetics (formerly Invitae), Labcorp
Classification: Uncertain significance for Autosomal dominant limb-girdle muscular dystrophy type 1D (DNAJB6). Last evaluated: 2025-11-03. Review status: criteria provided, single submitter. Criteria: Invitae Variant Classification Sherloc (09022015). Collection method: clinical testing. Allele origin: germline.
Comment: This sequence change replaces arginine, which is basic and polar, with glutamine, which is neutral and polar, at codon 264 of the DNAJB6 protein (p.Arg264Gln). This variant is present in population databases (no rsID available, gnomAD 0.008%). This variant has not been reported in the literature in individuals affected with DNAJB6-related conditions. ClinVar contains an entry for this variant (Variation ID: 655798). Invitae Evidence Modeling of protein sequence and biophysical properties (such as structural, functional, and spatial information, amino acid conservation, physicochemical variation, residue mobility, and thermodynamic stability) indicates that this missense variant is not expected to disrupt DNAJB6 protein function with a negative predictive value of 80%. In summary, the available evidence is currently insufficient to determine the role of this variant in disease. Therefore, it has been classified as a Variant of Uncertain Significance.

Women's Health and Genetics/Laboratory Corporation of America, LabCorp
Classification: Uncertain significance. Last evaluated: 2023-11-13. Review status: criteria provided, single submitter. Criteria: LabCorp Variant Classification Summary - May 2015. Collection method: clinical testing. Allele origin: germline.
Comment: Variant summary: DNAJB6 c.791G>A (p.Arg264Gln) results in a conservative amino acid change in the encoded protein sequence. Five of five in-silico tools predict a benign effect of the variant on protein function. The variant allele was found at a frequency of 3e-05 in 132624 control chromosomes. The available data on variant occurrences in the general population are insufficient to allow any conclusion about variant significance. c.791G>A has been reported in the literature in at least one individual affected with Joubert syndrome (Srivastava_2017). This report does not provide unequivocal conclusions about association of the variant with Autosomal Dominant Limb-Girdle Muscular Dystrophy Type 1D. To our knowledge, no experimental evidence demonstrating an impact on protein function has been reported. The following publication has been ascertained in the context of this evaluation (PMID: 28973549). Two submitters have cited clinical-significance assessments for this variant to ClinVar after 2014. All submitters classified the variant as uncertain significance. Based on the evidence outlined above, the variant was classified as uncertain significance.

Revvity Omics, Revvity
Classification: Uncertain significance for Autosomal dominant limb-girdle muscular dystrophy type 1D (DNAJB6). Last evaluated: 2023-03-29. Review status: criteria provided, single submitter. Criteria: ACMG Guidelines, 2015. Collection method: clinical testing. Allele origin: germline.

Athena Diagnostics
Classification: Uncertain significance. Last evaluated: 2020-10-07. Review status: criteria provided, single submitter. Criteria: Athena Diagnostics criteria. Collection method: clinical testing. Allele origin: unknown.

Literature cited by the submitters: PubMed 28973549 (cited by Women's Health and Genetics/Laboratory Corporation of America, LabCorp).

NM_058246.4(DNAJB6):c.791G>A (p.Arg264Gln)

Gene: DNAJB6 (DnaJ heat shock protein family (Hsp40) member B6; plus strand). Cytogenetic location: 7q36.3.
Variant type: single nucleotide variant.
Coding change: c.791G>A on transcript NM_058246.4 (MANE Select); coding-DNA position 791, G replaced by A.
Protein change: p.Arg264Gln; replaces arginine 264 with glutamine.
Molecular consequence: missense variant.
Genome position (GRCh38, 1-based): chr7:157,409,894, G>A. VCF-style: chr7-157409894-G-A. GRCh37 (hg19) VCF-style: chr7-157202588-G-A.
Other names: c.446G>A, p.Arg149Gln (NM_001363676.1); short protein forms R149Q, R264Q.
Identifiers: ClinVar variation 655798 (VCV000655798.14), dbSNP rs969715884, ClinGen allele CA169899178.